The following is an entry in ClinVar:

ClinVar aggregate classification (germline): Uncertain significance. Review status: criteria provided, single submitter (1 of 4 stars). 2 submissions from 2 submitters: Uncertain significance (1). 1 of the submissions does not count toward it. Last evaluated 2013-06-05.

Conditions:
Neuronal ceroid lipofuscinosis 3 (CLN3). Identifiers: Orphanet 228346, MedGen C0751383, MONDO:0008767, OMIM 204200.

Submissions (2):

GeneDx
Classification: Uncertain significance. Last evaluated: 2013-06-05. Review status: criteria provided, single submitter. Criteria: GeneDx Variant Classification (06012015). Collection method: clinical testing. Allele origin: germline. Affected: yes.
Comment: c.731_733delAAG: p.Glu244del (E244del) in exon 10 of the CLN3 gene (NM_001042432.1). The c.731_733delAAG has not been published as a mutation, nor has it been reported as a benign polymorphism to our knowledge. It results in an in-frame deletion of a single poorly conserved amino acid residue, Glu244, which is located in the cytoplasmic loop between the fourth and fifth transmembrane domains. Therefore, based on the currently available information, it is unclear whether c.731_733delAAG is a disease-causing mutation or a rare benign variant. The variant is found in EPILEPSY panel(s).

Counsyl
Classification: Uncertain significance for Neuronal ceroid lipofuscinosis 3. Last evaluated: 2017-01-31. Review status: no assertion criteria provided. Collection method: clinical testing. Allele origin: unknown. Not counted in ClinVar's aggregate classification.

NM_001042432.2(CLN3):c.725AAG[2] (p.Glu244del)

Gene: CLN3 (CLN3 lysosomal/endosomal transmembrane protein, battenin; minus strand). Cytogenetic location: 16p12.1.
Variant type: Microsatellite.
Coding change: c.725AAG[2] on transcript NM_001042432.2 (MANE Select); two copies in a row of the 3-base unit AAG starting at c.725; the reference has three copies in a row; one copy, 3 bases deleted.
Protein change: p.Glu244del; deletes glutamic acid 244.
Molecular consequence: inframe deletion.
Genome position (GRCh38, 1-based): chr16:28,484,063-28,484,065, CTT deleted on the plus strand (AAG on the coding strand, the reverse complement: CLN3 is on the minus strand); deleting any 3 consecutive bases within chr16:28,484,063-28,484,072 gives the same sequence; the position shown is the placement nearest the transcript's 3' end. VCF-style (leftmost placement, unchanged base first): chr16-28484062-GCTT-G. GRCh37 (hg19) VCF-style: chr16-28495383-GCTT-G.
Other names: c.725AAG[2], p.Glu244del (NM_000086.2); c.653AAG[2], p.Glu220del (NM_001286104.2); c.425AAG[2], p.Glu144del (NM_001286105.2); c.491AAG[2], p.Glu166del (NM_001286109.2); c.563AAG[2], p.Glu190del (NM_001286110.2); c.731_733delAAG (NM_001042432.1); short protein forms E244del, E144del, E220del, E166del, E190del.
Identifiers: ClinVar variation 205114 (VCV000205114.2), dbSNP rs796052340, ClinGen allele CA313818.
Genomic context (GRCh38, chr16:28,484,062, plus strand): 5'-CTACCTGGCTTCGACTCCGGGGCCTCGGTTCTTATGAGGGGCTGCCGGGCTGCGCTCTCT[GCTT>G]CTTCTTCCCCTCCAGGGTCCTGGGCCTCAGGAGATGTGAGCAACAAGAAATAGCTAGGAG-3'